The following is an entry in ClinVar:

NM_001329943.3(KIAA0586):c.1656G>A (p.Gln552=)

Gene: KIAA0586 (KIAA0586; plus strand). Cytogenetic location: 14q23.1.
Variant type: single nucleotide variant.
Coding change: c.1656G>A on transcript NM_001329943.3 (MANE Select); coding-DNA position 1656, G replaced by A.
Protein change: p.Gln552=; no amino-acid change (glutamine 552 retained).
Molecular consequence: synonymous variant.
Genome position (GRCh38, 1-based): chr14:58,458,545, G>A. VCF-style: chr14-58458545-G-A. GRCh37 (hg19) VCF-style: chr14-58925263-G-A.
Other names: c.1815G>A, p.Gln605= (NM_001244189.2); c.1611G>A, p.Gln537= (NM_001244190.2); c.1401G>A, p.Gln467= (NM_001244191.2, NM_001329945.2, NM_001364700.1 and 1 more transcripts); c.1524G>A, p.Gln508= (NM_001244192.2); c.1236G>A, p.Gln412= (NM_001244193.2); c.1656G>A, p.Gln552= (NM_001329944.2, NM_001329946.2, NM_001329947.2 and 1 more transcripts).
Identifiers: ClinVar variation 208813 (VCV000208813.9), dbSNP rs762081862, ClinGen allele CA214896.

ClinVar aggregate classification (germline): Pathogenic. Review status: criteria provided, multiple submitters, no conflicts (2 of 4 stars). 5 submissions from 5 submitters: Pathogenic (4). 1 of the submissions does not count toward it. Last evaluated 2024-11-23.

Conditions:
KIAA0586-related disorder. Also called: KIAA0586-related condition; KIAA0586- Related disorders.
Short-rib thoracic dysplasia 14 with polydactyly (SRTD14). Identifiers: Orphanet 397715, MedGen C4225286, MONDO:0014688, OMIM 616546.
Joubert syndrome 23 (JBTS23). Identifiers: Orphanet 475, MedGen C4084822, MONDO:0014664, OMIM 616490.

Allele frequency attached by ClinVar (database versions not stated): ExAC below 0.00001; gnomAD exomes 0.00001.
gnomAD v4.1: 12 of 1,514,396 alleles (0.00079%); highest among the groups gnomAD compares: Admixed American, 0.0021%; no homozygotes.

Submissions (5):

Blueprint Genetics
Classification: Pathogenic for KIAA0586-related disorders. Last evaluated: 2024-11-23. Review status: criteria provided, single submitter. Criteria: ACMG Guidelines, 2015. Collection method: clinical testing. Allele origin: germline. Affected: yes. Observed: 5 variant alleles.

Labcorp Genetics (formerly Invitae), Labcorp
Classification: Pathogenic for Joubert syndrome 23; Short-rib thoracic dysplasia 14 with polydactyly. Last evaluated: 2024-02-24. Review status: criteria provided, single submitter. Criteria: Invitae Variant Classification Sherloc (09022015). Collection method: clinical testing. Allele origin: germline.
Comment: This sequence change affects codon 605 of the KIAA0586 mRNA. It is a 'silent' change, meaning that it does not change the encoded amino acid sequence of the KIAA0586 protein. RNA analysis indicates that this variant induces altered splicing and may result in an absent or disrupted protein product. This variant is present in population databases (rs762081862, gnomAD 0.005%). This variant has been observed in individuals with short-rib thoracic dysplasia (PMID: 2080096, 26166481). It has also been observed to segregate with disease in related individuals. ClinVar contains an entry for this variant (Variation ID: 208813). Variants that disrupt the consensus splice site are a relatively common cause of aberrant splicing (PMID: 17576681, 9536098). Studies have shown that this variant results in exon 14 skipping and introduces a premature termination codon (PMID: 26166481). The resulting mRNA is expected to undergo nonsense-mediated decay. For these reasons, this variant has been classified as Pathogenic.

Equipe Genetique des Anomalies du Developpement, Université de Bourgogne
Classification: Pathogenic for Short-rib thoracic dysplasia 14 with polydactyly. Last evaluated: 2022-07-27. Review status: criteria provided, single submitter. Criteria: ACMG Guidelines, 2015. Collection method: clinical testing. Allele origin: biparental. Inheritance: Autosomal recessive inheritance. Affected: yes.

Institute of Medical Genetics and Applied Genomics, University Hospital Tübingen
Classification: Pathogenic. Last evaluated: 2020-10-23. Review status: criteria provided, single submitter. Criteria: ACMG Guidelines, 2015. Collection method: clinical testing. Allele origin: germline. Inheritance: Unknown mechanism. Affected: yes.

OMIM
Classification: Pathogenic for SHORT-RIB THORACIC DYSPLASIA 14 WITH POLYDACTYLY. Last evaluated: 2015-08-06. Review status: no assertion criteria provided. Collection method: literature only. Allele origin: germline. Not counted in ClinVar's aggregate classification.

Literature cited by the submitters: PubMed 2080096 (cited by Labcorp Genetics (formerly Invitae), Labcorp); PubMed 26166481 (cited by 3 submitters); PubMed 17576681 (cited by Labcorp Genetics (formerly Invitae), Labcorp); PubMed 9536098 (cited by Labcorp Genetics (formerly Invitae), Labcorp).